The following is an entry in ClinVar:

ClinVar aggregate classification (germline): Likely benign. Review status: criteria provided, multiple submitters, no conflicts (2 of 4 stars). 2 submissions from 2 submitters: Likely benign (2). Last evaluated 2024-11-13.

gnomAD v4.1: 7 of 1,612,804 alleles (0.00043%); highest among the groups gnomAD compares: Non-Finnish European, 0.00059%; no homozygotes.

Submissions (2):

Women's Health and Genetics/Laboratory Corporation of America, LabCorp
Classification: Likely benign. Last evaluated: 2024-11-13. Review status: criteria provided, single submitter. Criteria: LabCorp Variant Classification Summary - May 2015. Collection method: clinical testing. Allele origin: germline.
Comment: Variant summary: HPS3 c.2784A>G alters a non-conserved nucleotide resulting in a synonymous change. Consensus agreement among computation tools predict no significant impact on normal splicing. However, these predictions have yet to be confirmed by functional studies. The variant allele was found at a frequency of 4e-06 in 249992 control chromosomes. The available data on variant occurrences in the general population are insufficient to allow any conclusion about variant significance. To our knowledge, no occurrence of c.2784A>G in individuals affected with Hermansky-Pudlak Syndrome and no experimental evidence demonstrating its impact on protein function have been reported. No submitters have cited clinical-significance assessments for this variant to ClinVar. Based on the evidence outlined above, the variant was classified as likely benign.

Blueprint Genetics
Classification: Likely benign. Last evaluated: 2023-10-04. Review status: criteria provided, single submitter. Criteria: ACMG Guidelines, 2015. Collection method: clinical testing. Allele origin: germline.

NM_032383.5(HPS3):c.2784A>G (p.Lys928=)

Genes: CP (ceruloplasmin; minus strand), HPS3 (HPS3 biogenesis of lysosomal organelles complex 2 subunit 1; plus strand). Cytogenetic location: 3q24.
Variant type: single nucleotide variant.
Coding change: c.2784A>G on transcript NM_032383.5 (MANE Select); coding-DNA position 2784, A replaced by G.
Protein change: p.Lys928=; no amino-acid change (lysine 928 retained).
Molecular consequence: synonymous variant.
Genome position (GRCh38, 1-based): chr3:149,167,228, A>G. VCF-style: chr3-149167228-A-G. GRCh37 (hg19) VCF-style: chr3-148885015-A-G.
Other names: c.2289A>G, p.Lys763= (NM_001308258.2).
Identifiers: ClinVar variation 3629671 (VCV003629671.2).